The following is an entry in ClinVar:

NM_024675.4(PALB2):c.2205dup (p.Ala736fs)

Gene: PALB2 (partner and localizer of BRCA2; minus strand). Cytogenetic location: 16p12.2.
Variant type: Duplication.
Coding change: c.2205dup on transcript NM_024675.4 (MANE Select); coding-DNA position 2205, one base duplicated (A; older notation c.2205dupA).
Protein change: p.Ala736fs; shifts the reading frame from alanine 736.
Molecular consequence: frameshift variant.
Genome position (GRCh38, 1-based): chr16:23,629,949, T duplicated on the plus strand (A on the coding strand, the reverse complement: PALB2 is on the minus strand). VCF-style (leftmost placement, unchanged base first): chr16-23629948-C-CT. GRCh37 (hg19) VCF-style: chr16-23641269-C-CT.
Other names: c.2145dup, p.Ala716Serfs (NM_001407296.1); c.2205dup, p.Ala736Serfs (NM_001407297.1, NM_001407298.1, NM_001407299.1 and 3 more transcripts); c.1320dup, p.Ala441Serfs (NM_001407304.1, NM_001407305.1, NM_001407306.1 and 5 more transcripts); c.417dup, p.Ala140Serfs (NM_001407312.1, NM_001407313.1); c.2205dupA (NM_024675.3); short protein forms A736fs.
Identifiers: ClinVar variation 1787681 (VCV001787681.5), dbSNP rs2506417320, ClinGen allele CA2580091357.

ClinVar aggregate classification (germline): Pathogenic. Review status: criteria provided, multiple submitters, no conflicts (2 of 4 stars). 3 submissions from 3 submitters: Pathogenic (3). Last evaluated 2023-09-12.

Conditions:
Hereditary cancer-predisposing syndrome. Also called: Neoplastic Syndromes, Hereditary; Tumor predisposition; Hereditary Cancer Syndrome; Hereditary neoplastic syndrome. Identifiers: Orphanet 140162, MedGen C0027672, MeSH D009386, MONDO:0015356.
Familial cancer of breast. Also called: BREAST CANCER, FAMILIAL; Hereditary breast cancer; hereditary breast carcinoma. Identifiers: Orphanet 227535, MedGen C0346153, MONDO:0016419, OMIM 114480. Disease mechanism: loss of function.

Submissions (3):

Myriad Genetics, Inc.
Classification: Pathogenic for Familial cancer of breast. Last evaluated: 2023-09-12. Review status: criteria provided, single submitter. Criteria: Myriad Autosomal Dominant, Autosomal Recessive and X-Linked Classification Criteria (2023). Collection method: clinical testing. Allele origin: unknown.
Comment: This variant is considered pathogenic. This variant creates a frameshift predicted to result in premature protein truncation.

Color Diagnostics, LLC DBA Color Health
Classification: Pathogenic for Hereditary cancer-predisposing syndrome. Last evaluated: 2023-04-03. Review status: criteria provided, single submitter. Criteria: ACMG Guidelines, 2015. Collection method: clinical testing. Allele origin: germline.
Comment: This variant inserts 1 nucleotide in exon 5 of the PALB2 gene, creating a frameshift and premature translation stop signal. This variant is expected to result in an absent or non-functional protein product. To our knowledge, this variant has not been reported in individuals affected with PALB2-related disorders in the literature. This variant has not been identified in the general population by the Genome Aggregation Database (gnomAD). Loss of PALB2 function is a known mechanism of disease. Based on the available evidence, this variant is classified as Pathogenic.

Ambry Genetics
Classification: Pathogenic for Hereditary cancer-predisposing syndrome. Last evaluated: 2021-06-28. Review status: criteria provided, single submitter. Criteria: Ambry Variant Classification Scheme 2023. Collection method: clinical testing. Allele origin: germline.
Comment: The c.2205dupA pathogenic mutation, located in coding exon 5 of the PALB2 gene, results from a duplication of A at nucleotide position 2205, causing a translational frameshift with a predicted alternate stop codon (p.A736Sfs*9). This alteration is expected to result in loss of function by premature protein truncation or nonsense-mediated mRNA decay. As such, this alteration is interpreted as a disease-causing mutation.